The following is an entry in ClinVar:

ClinVar aggregate classification (germline): Uncertain significance (1 of 4 stars; one submission).

Submission:

Labcorp Genetics (formerly Invitae), Labcorp
Classification: Uncertain significance. Last evaluated: 2022-12-20. Review status: criteria provided, single submitter. Criteria: Invitae Variant Classification Sherloc (09022015). Collection method: clinical testing. Allele origin: germline.
Comment: In summary, the available evidence is currently insufficient to determine the role of this variant in disease. Therefore, it has been classified as a Variant of Uncertain Significance. Algorithms developed to predict the effect of missense changes on protein structure and function (SIFT, PolyPhen-2, Align-GVGD) all suggest that this variant is likely to be tolerated. This variant has not been reported in the literature in individuals affected with ITGAM-related conditions. This variant is not present in population databases (gnomAD no frequency). This sequence change replaces arginine, which is basic and polar, with lysine, which is basic and polar, at codon 815 of the ITGAM protein (p.Arg815Lys).

NM_000632.4(ITGAM):c.2444G>A (p.Arg815Lys)

Gene: ITGAM (integrin subunit alpha M; plus strand). Cytogenetic location: 16p11.2.
Variant type: single nucleotide variant.
Coding change: c.2444G>A on transcript NM_000632.4 (MANE Select); coding-DNA position 2444, G replaced by A.
Protein change: p.Arg815Lys; replaces arginine 815 with lysine.
Molecular consequence: missense variant.
Genome position (GRCh38, 1-based): chr16:31,325,343, G>A. VCF-style: chr16-31325343-G-A. GRCh37 (hg19) VCF-style: chr16-31336664-G-A.
Other names: c.2447G>A, p.Arg816Lys (NM_001145808.2); short protein forms R815K, R816K.
Identifiers: ClinVar variation 2822604 (VCV002822604.3), dbSNP rs2544497588, ClinGen allele CA395691066.
Genomic context (GRCh38, chr16:31,325,343, plus strand): 5'-GTGGGCCCCGGGAGTTCAACGTGACAGTGACTGTGAGAAATGATGGTGAGGACTCCTACA[G>A]GACACAGGTCACCTTCTTCTTCCCGCTTGACCTGTCCTACCGGAAGGTGTCCACGCTCCA-3'
Protein context (NP_000623.2, residues 805-825): TVRNDGEDSY[Arg815Lys]TQVTFFFPLD